The following is an entry in ClinVar:

NM_000069.3(CACNA1S):c.2550+1G>C

Gene: CACNA1S (calcium voltage-gated channel subunit alpha1 S; minus strand). Cytogenetic location: 1q32.1.
Variant type: single nucleotide variant.
Coding change: c.2550+1G>C on transcript NM_000069.3 (MANE Select); the canonical splice donor site of the intron after coding-DNA position 2550, G replaced by C.
Molecular consequence: splice donor variant.
Genome position (GRCh38, 1-based): chr1:201,069,136, C>G on the plus strand (G>C on the coding strand, the complement: CACNA1S is on the minus strand). VCF-style: chr1-201069136-C-G. GRCh37 (hg19) VCF-style: chr1-201038264-C-G.
Identifiers: ClinVar variation 3070954 (VCV003070954.1), dbSNP rs1219995580, ClinGen allele CA344105555.

ClinVar aggregate classification (germline): Uncertain significance (1 of 4 stars; one submission).

Conditions:
Malignant hyperthermia, susceptibility to, 5 (MHS5). Also called: CACNA1S-Related Malignant Hyperthermia Susceptibility. Identifiers: Orphanet 423, MedGen C1866077, MONDO:0011163, OMIM 601887.

Submission:

All of Us Research Program, National Institutes of Health
Classification: Uncertain significance for Malignant hyperthermia, susceptibility to, 5. Last evaluated: 2023-05-15. Review status: criteria provided, single submitter. Criteria: ACMG Guidelines, 2015. Collection method: clinical testing. Allele origin: germline. Inheritance: Autosomal dominant inheritance. Observed: 1 variant allele, 1 heterozygote.
Comment: This variant causes a G to C nucleotide substitution at the +1 position of intron 19 of the CACNA1S gene. Splice site prediction tools suggest that this variant may have a significant impact on RNA splicing. Although this prediction has not been confirmed in published RNA studies, this variant is expected to result in an absent or disrupted protein product. This variant has not been reported in individuals affected with CACNA1S-related disorders in the literature. Loss of CACNA1S function due to haploinsufficiency is not an established disease mechanism for autosomal dominant malignant hyperthermia susceptibility, although it has been associated with other phenotypes (PMID: 28012042, 34608571, 34777470). This variant has not been identified in the general population by the Genome Aggregation Database (gnomAD). Due to insufficient evidence, this variant is classified as a Variant of Uncertain Significance for autosomal dominant malignant hyperthermia.

This study involves interpretation of variants in research participants for the purpose of population health screening. Participant phenotype was not available at the time of variant classification. Additional details can be found in publication PMID: 35346344, PMCID: PMC8962531

Literature cited by the submitters: PubMed 28012042; PubMed 34608571; PubMed 34777470.